The following is an entry in ClinVar:

NM_007194.4(CHEK2):c.444+5G>T

Gene: CHEK2 (checkpoint kinase 2; minus strand). Cytogenetic location: 22q12.1.
Variant type: single nucleotide variant.
Coding change: c.444+5G>T on transcript NM_007194.4 (MANE Select); 5 bases into the intron after coding-DNA position 444, G replaced by T.
Molecular consequence: intron variant.
Genome position (GRCh38, 1-based): chr22:28,725,238, C>A on the plus strand (G>T on the coding strand, the complement: CHEK2 is on the minus strand). VCF-style: chr22-28725238-C-A. GRCh37 (hg19) VCF-style: chr22-29121226-C-A.
Other names: c.-220+5G>T (NM_001437942.1); c.444+5G>T (NM_001349956.3, NM_145862.3, NM_007194.3); c.-334+5G>T (NM_001257387.3); c.537+5G>T (NM_001438295.1, NM_001438293.1); c.573+5G>T (NM_001438294.1, NM_001005735.3).
Identifiers: ClinVar variation 3673606 (VCV003673606.4).

ClinVar aggregate classification (germline): Uncertain significance. Review status: criteria provided, multiple submitters, no conflicts (2 of 4 stars). 2 submissions from 2 submitters: Uncertain significance (2). Last evaluated 2026-05-27.

Conditions:
Hereditary cancer-predisposing syndrome. Also called: Hereditary neoplastic syndrome; Tumor predisposition; Hereditary Cancer Syndrome; Neoplastic Syndromes, Hereditary. Identifiers: Orphanet 140162, MedGen C0027672, MeSH D009386, MONDO:0015356.
Familial cancer of breast. Also called: BREAST CANCER, FAMILIAL; Hereditary breast cancer; hereditary breast carcinoma. Identifiers: Orphanet 227535, MedGen C0346153, MONDO:0016419, OMIM 114480. Disease mechanism: loss of function.

Submissions (2):

Ambry Genetics
Classification: Uncertain significance for Hereditary cancer-predisposing syndrome. Last evaluated: 2026-05-27. Review status: criteria provided, single submitter. Criteria: Ambry Variant Classification Scheme 2023. Collection method: clinical testing. Allele origin: germline.
Comment: The c.444+5G>T intronic variant results from a G to T substitution 5 nucleotides after coding exon 2 in the CHEK2 gene. This nucleotide position is highly conserved in available vertebrate species. In silico splice site analysis predicts that this alteration may weaken the native splice donor site and will result in the creation or strengthening of a novel splice donor site; however, direct evidence is insufficient at this time (Ambry internal data). Based on the available evidence, the clinical significance of this variant remains unclear.

Labcorp Genetics (formerly Invitae), Labcorp
Classification: Uncertain significance for Familial cancer of breast. Last evaluated: 2024-12-12. Review status: criteria provided, single submitter. Criteria: Invitae Variant Classification Sherloc (09022015). Collection method: clinical testing. Allele origin: germline.
Comment: This sequence change falls in intron 3 of the CHEK2 gene. It does not directly change the encoded amino acid sequence of the CHEK2 protein. It affects a nucleotide within the consensus splice site. This variant is not present in population databases (gnomAD no frequency). This variant has not been reported in the literature in individuals affected with CHEK2-related conditions. Variants that disrupt the consensus splice site are a relatively common cause of aberrant splicing (PMID: 17576681, 9536098). Algorithms developed to predict the effect of sequence changes on RNA splicing suggest that this variant may disrupt the consensus splice site. In summary, the available evidence is currently insufficient to determine the role of this variant in disease. Therefore, it has been classified as a Variant of Uncertain Significance.

Literature cited by the submitters: PubMed 17576681 (cited by Labcorp Genetics (formerly Invitae), Labcorp); PubMed 9536098 (cited by Labcorp Genetics (formerly Invitae), Labcorp).